The following is an entry in ClinVar:

NM_001079807.4(PGA3):c.975T>C (p.Asn325=)

Gene: PGA3 (pepsinogen A3; plus strand). Cytogenetic location: 11q12.2.
Variant type: single nucleotide variant.
Coding change: c.975T>C on transcript NM_001079807.4 (MANE Select); coding-DNA position 975, T replaced by C.
Protein change: p.Asn325=; no amino-acid change (asparagine 325 retained).
Molecular consequence: synonymous variant.
Genome position (GRCh38, 1-based): chr11:61,211,393, T>C. VCF-style: chr11-61211393-T-C. GRCh37 (hg19) VCF-style: chr11-60978865-T-C.
Identifiers: ClinVar variation 2641820 (VCV002641820.24), dbSNP rs769020152, ClinGen allele CA6031274.
Genomic context (GRCh38, chr11:61,211,393, plus strand): 5'-CCAGATGGTGGTCAGCTGCTCAGCCATCAGCAGCCTGCCCGACATCGTCTTCACCATCAA[T>C]GGAGTCCAGTACCCCGTGCCACCCAGTGCCTACATCCTGCAGGTGAGGAGGCTCTGGACC-3'
Protein context (NP_001073275.1, residues 315-335): SSLPDIVFTI[Asn325=]GVQYPVPPSA

ClinVar aggregate classification (germline): Likely benign (1 of 4 stars; one submission).

Allele frequency attached by ClinVar (database versions not stated): gnomAD 0.00011; ExAC 0.00042.

Submission:

CeGaT Center for Human Genetics Tuebingen
Classification: Likely benign. Last evaluated: 2022-07-01. Review status: criteria provided, single submitter. Criteria: CeGaT Center For Human Genetics Tuebingen Variant Classification Criteria Version 2. Collection method: clinical testing. Allele origin: germline. Affected: yes. Observed: 1 variant allele.
Comment: PGA3: BP4, BP7